The following is an entry in ClinVar:

NM_152384.3(BBS5):c.142+1G>A

Gene: BBS5 (Bardet-Biedl syndrome 5; plus strand). Cytogenetic location: 2q31.1.
Variant type: single nucleotide variant.
Coding change: c.142+1G>A on transcript NM_152384.3 (MANE Select); the canonical splice donor site of the intron after coding-DNA position 142, G replaced by A.
Molecular consequence: splice donor variant.
Genome position (GRCh38, 1-based): chr2:169,482,334, G>A. VCF-style: chr2-169482334-G-A. GRCh37 (hg19) VCF-style: chr2-170338844-G-A.
Identifiers: ClinVar variation 4993212 (VCV004993212.1).
Genomic context (GRCh38, chr2:169,482,334, plus strand): 5'-AAGTCCTTATTGATTGTTTAGATTCCATTGAAGACACCAAAGGAAATAATGGAGATAGAG[G>A]TGAGTATATTTTTAAATGTATCTTATATTCCTGGTTTAATTTACAAATGTTGAATCATAT-3'

ClinVar aggregate classification (germline): Likely pathogenic (1 of 4 stars; one submission).

Conditions:
BBS5-related disorder. Also called: BBS5-related condition.

gnomAD v4.1: 1 of 1,544,448 alleles (0.000065%); highest among the groups gnomAD compares: Non-Finnish European, 0.00009%; no homozygotes.

Submission:

PreventionGenetics, part of Exact Sciences
Classification: Likely pathogenic for BBS5-related condition. Last evaluated: 2026-07-06. Review status: criteria provided, single submitter. Criteria: ACMG Guidelines, 2015. Collection method: clinical testing. Allele origin: germline.
Comment: The BBS5 c.142+1G>A variant is predicted to disrupt the GT donor site and interfere with normal splicing. To our knowledge, this variant has not been reported in the literature or in a large population database (gnomAD), indicating this variant is rare. Variants that disrupt the consensus splice donor site in BBS5 are expected to be pathogenic. This variant is interpreted as likely pathogenic.